The following is an entry in ClinVar:

NM_003919.3(SGCE):c.392T>C (p.Ile131Thr)

Genes: CASD1 (CAS1 domain containing 1; plus strand), SGCE (sarcoglycan epsilon; minus strand). Cytogenetic location: 7q21.3.
Variant type: single nucleotide variant.
Coding change: c.392T>C on transcript NM_003919.3 (MANE Select); coding-DNA position 392, T replaced by C.
Protein change: p.Ile131Thr; replaces isoleucine 131 with threonine.
Molecular consequence: missense variant.
Genome position (GRCh38, 1-based): chr7:94,623,396, A>G on the plus strand (T>C on the coding strand, the complement: SGCE is on the minus strand). VCF-style: chr7-94623396-A-G. GRCh37 (hg19) VCF-style: chr7-94252708-A-G.
Other names: c.269T>C, p.Ile90Thr (NM_001301139.2, NM_001362809.2); c.500T>C, p.Ile167Thr (NM_001346713.2, NM_001346715.2); c.392T>C, p.Ile131Thr (NM_001346717.2, NM_001099400.2, NM_001099401.2); c.305T>C, p.Ile102Thr (NM_001346719.2, NM_001362807.2); c.119T>C, p.Ile40Thr (NM_001346720.2, NM_001362808.2); short protein forms I131T, I40T, I90T, I102T, I167T.
Identifiers: ClinVar variation 432436 (VCV000432436.2), dbSNP rs1554355443, ClinGen allele CA368236960.

ClinVar aggregate classification (germline): Uncertain significance (1 of 4 stars; one submission).

Allele frequency attached by ClinVar (database versions not stated): gnomAD exomes below 0.00001.
gnomAD v4.1: 1 of 1,590,178 alleles (0.000063%); highest among the groups gnomAD compares: Non-Finnish European, 0.000086%; no homozygotes.

Submission:

GeneDx
Classification: Uncertain significance. Last evaluated: 2017-06-01. Review status: criteria provided, single submitter. Criteria: GeneDx Variant Classification (06012015). Collection method: clinical testing. Allele origin: germline. Affected: yes.
Comment: The I131T variant in the SGCE gene has not been reported previously as a pathogenic variant, nor as a benign variant, to our knowledge. The I131T variant is not observed in large population cohorts (Lek et al., 2016; 1000 Genomes Consortium et al., 2015; Exome Variant Server). The I131T variant is a non-conservative amino acid substitution, which is likely to impact secondary protein structure as these residues differ in polarity, charge, size and/or other properties. This substitution occurs at a position that is conserved across species, and in silico analysis predicts this variant is probably damaging to the protein structure/function. We interpret I131T as a variant of uncertain significance.